The following is an entry in ClinVar:

NM_006158.5(NEFL):c.284A>C (p.Gln95Pro)

Gene: NEFL (neurofilament light chain; minus strand). Cytogenetic location: 8p21.2.
Variant type: single nucleotide variant.
Coding change: c.284A>C on transcript NM_006158.5 (MANE Select); coding-DNA position 284, A replaced by C.
Protein change: p.Gln95Pro; replaces glutamine 95 with proline.
Molecular consequence: missense variant.
Genome position (GRCh38, 1-based): chr8:24,956,232, T>G on the plus strand (A>C on the coding strand, the complement: NEFL is on the minus strand). VCF-style: chr8-24956232-T-G. GRCh37 (hg19) VCF-style: chr8-24813746-T-G.
Other names: short protein forms Q95P.
Identifiers: ClinVar variation 3907769 (VCV003907769.2).

ClinVar aggregate classification (germline): Uncertain significance (1 of 4 stars; one submission).

Submission:

GeneDx
Classification: Uncertain significance. Last evaluated: 2026-09-02. Review status: criteria provided, single submitter. Criteria: GeneDx Variant Classification Process June 2021. Collection method: clinical testing. Allele origin: germline.
Comment: Not observed at significant frequency in large population cohorts (gnomAD); In silico analysis supports that this missense variant has a deleterious effect on protein structure/function; Has not been previously published as pathogenic or benign to our knowledge